The following is an entry in ClinVar:

NM_001276270.2(MBD4):c.972T>G (p.Cys324Trp)

Gene: MBD4 (methyl-CpG binding domain 4, DNA glycosylase; minus strand). Cytogenetic location: 3q21.3.
Variant type: single nucleotide variant.
Coding change: c.972T>G on transcript NM_001276270.2 (MANE Select); coding-DNA position 972, T replaced by G.
Protein change: p.Cys324Trp; replaces cysteine 324 with tryptophan.
Molecular consequence: missense variant. On other transcripts: intron variant (1).
Genome position (GRCh38, 1-based): chr3:129,436,672, A>C on the plus strand (T>G on the coding strand, the complement: MBD4 is on the minus strand). VCF-style: chr3-129436672-A-C. GRCh37 (hg19) VCF-style: chr3-129155515-A-C.
Other names: c.972T>G, p.Cys324Trp (NM_001276271.2, NM_001276272.2, NM_003925.3); c.247+1136T>G (NM_001276273.2); short protein forms C324W.
Identifiers: ClinVar variation 3543758 (VCV003543758.3).

ClinVar aggregate classification (germline): Uncertain significance. Review status: criteria provided, multiple submitters, no conflicts (2 of 4 stars). 2 submissions from 2 submitters: Uncertain significance (2). Last evaluated 2026-01-27.

Conditions:
Inborn genetic diseases. Identifiers: MedGen C0950123, MeSH D030342.

Submissions (2):

Labcorp Genetics (formerly Invitae), Labcorp
Classification: Uncertain significance. Last evaluated: 2026-01-27. Review status: criteria provided, single submitter. Criteria: Invitae Variant Classification Sherloc (09022015). Collection method: clinical testing. Allele origin: germline.
Comment: This sequence change replaces cysteine, which is neutral and slightly polar, with tryptophan, which is neutral and slightly polar, at codon 324 of the MBD4 protein (p.Cys324Trp). This variant is not present in population databases (gnomAD no frequency). This variant has not been reported in the literature in individuals affected with MBD4-related conditions. ClinVar contains an entry for this variant (Variation ID: 3543758). An algorithm developed to predict the effect of missense changes on protein structure and function (PolyPhen-2) suggests that this variant is likely to be disruptive. In summary, the available evidence is currently insufficient to determine the role of this variant in disease. Therefore, it has been classified as a Variant of Uncertain Significance.

Ambry Genetics
Classification: Uncertain significance for Inborn genetic diseases. Last evaluated: 2024-11-18. Review status: criteria provided, single submitter. Criteria: Ambry Variant Classification Scheme 2023. Collection method: clinical testing. Allele origin: germline.
Comment: The p.C324W variant (also known as c.972T>G), located in coding exon 3 of the MBD4 gene, results from a T to G substitution at nucleotide position 972. The cysteine at codon 324 is replaced by tryptophan, an amino acid with highly dissimilar properties. This amino acid position is conserved. In addition, this alteration is predicted to be tolerated by in silico analysis. Based on the available evidence, the clinical significance of this variant remains unclear.